The following is an entry in ClinVar:

NM_022124.6(CDH23):c.3592G>A (p.Val1198Met)

Genes: C10orf105 (chromosome 10 open reading frame 105; minus strand), CDH23 (cadherin related 23; plus strand). Cytogenetic location: 10q22.1.
Variant type: single nucleotide variant.
Coding change: c.3592G>A on transcript NM_022124.6 (MANE Select); coding-DNA position 3592, G replaced by A.
Protein change: p.Val1198Met; replaces valine 1198 with methionine.
Molecular consequence: missense variant. On other transcripts: intron variant (1).
Genome position (GRCh38, 1-based): chr10:71,730,481, G>A. VCF-style: chr10-71730481-G-A. GRCh37 (hg19) VCF-style: chr10-73490238-G-A.
Other names: c.3592G>A, p.Val1198Met (NM_001171930.2); c.-6+7247C>T (NM_001168390.2); short protein forms V1198M.
Identifiers: ClinVar variation 968130 (VCV000968130.8), dbSNP rs774804095, ClinGen allele CA5544786.

ClinVar aggregate classification (germline): Conflicting classifications of pathogenicity. Review status: criteria provided, conflicting classifications (1 of 4 stars). 4 submissions from 4 submitters: Uncertain significance (2); Likely benign (1). 1 of the submissions does not count toward it. Last evaluated 2026-03-13.

Conditions:
CDH23-related disorder. Also called: CDH23-related condition; CDH23-related disorders.
Usher syndrome type 1 (USH1). Also called: RETINITIS PIGMENTOSA AND CONGENITAL DEAFNESS. Identifiers: Orphanet 231169, Orphanet 886, MedGen C1568247, MONDO:0010168, OMIM 276900.

Allele frequency attached by ClinVar (database versions not stated): gnomAD 0.00003; gnomAD exomes 0.00005 and 0.00024; ExAC 0.00023; TOPMed 0.00018.
gnomAD v4.1: 80 of 1,613,656 alleles (0.005%); highest among the groups gnomAD compares: Admixed American, 0.11%; 1 homozygote.

Submissions (4):

PreventionGenetics, part of Exact Sciences
Classification: Likely benign for CDH23-related condition. Last evaluated: 2026-03-13. Review status: criteria provided, single submitter. Criteria: ACMG Guidelines, 2015. Collection method: clinical testing. Allele origin: germline.
Comment: This variant is classified as likely benign based on ACMG/AMP sequence variant interpretation guidelines (Richards et al. 2015 PMID: 25741868, with internal and published modifications).

Blueprint Genetics
Classification: Uncertain significance. Last evaluated: 2024-05-06. Review status: criteria provided, single submitter. Criteria: ACMG Guidelines, 2015. Collection method: clinical testing. Allele origin: germline.

Labcorp Genetics (formerly Invitae), Labcorp
Classification: Uncertain significance. Last evaluated: 2022-06-27. Review status: criteria provided, single submitter. Criteria: Invitae Variant Classification Sherloc (09022015). Collection method: clinical testing. Allele origin: germline.
Comment: This sequence change replaces valine, which is neutral and non-polar, with methionine, which is neutral and non-polar, at codon 1198 of the CDH23 protein (p.Val1198Met). This variant is present in population databases (rs774804095, gnomAD 0.2%). This variant has not been reported in the literature in individuals affected with CDH23-related conditions. ClinVar contains an entry for this variant (Variation ID: 968130). Algorithms developed to predict the effect of missense changes on protein structure and function are either unavailable or do not agree on the potential impact of this missense change (SIFT: "Deleterious"; PolyPhen-2: "Not Available"; Align-GVGD: "Class C15"). In summary, the available evidence is currently insufficient to determine the role of this variant in disease. Therefore, it has been classified as a Variant of Uncertain Significance.

Natera, Inc.
Classification: Uncertain significance for Usher syndrome type 1. Last evaluated: 2020-01-24. Review status: no assertion criteria provided. Collection method: clinical testing. Allele origin: germline. Not counted in ClinVar's aggregate classification.